The following is an entry in ClinVar:

ClinVar aggregate classification (germline): Uncertain significance (1 of 4 stars; one submission).

Submission:

Ambry Genetics
Classification: Uncertain significance. Last evaluated: 2024-11-30. Review status: criteria provided, single submitter. Criteria: Ambry Variant Classification Scheme 2023. Collection method: clinical testing. Allele origin: germline.
Comment: The p.K536R variant (also known as c.1607A>G), located in coding exon 16 of the SRP72 gene, results from an A to G substitution at nucleotide position 1607. The lysine at codon 536 is replaced by arginine, an amino acid with highly similar properties. This amino acid position is conserved. In addition, the in silico prediction for this alteration is inconclusive. Based on the available evidence, the clinical significance of this variant remains unclear.

NM_006947.4(SRP72):c.1607A>G (p.Lys536Arg)

Gene: SRP72 (signal recognition particle 72; plus strand). Cytogenetic location: 4q12.
Variant type: single nucleotide variant.
Coding change: c.1607A>G on transcript NM_006947.4 (MANE Select); coding-DNA position 1607, A replaced by G.
Protein change: p.Lys536Arg; replaces lysine 536 with arginine.
Molecular consequence: missense variant. On other transcripts: non-coding transcript variant (1).
Genome position (GRCh38, 1-based): chr4:56,491,535, A>G. VCF-style: chr4-56491535-A-G. GRCh37 (hg19) VCF-style: chr4-57357701-A-G.
Other names: c.1424A>G, p.Lys475Arg (NM_001267722.2); short protein forms K536R, K475R.
Identifiers: ClinVar variation 3449419 (VCV003449419.1).